The following is an entry in ClinVar:

NM_001142800.2(EYS):c.3378del (p.Asn1127fs)

Gene: EYS (EGF-like photoreceptor maintenance factor; minus strand). Cytogenetic location: 6q12.
Variant type: Deletion.
Coding change: c.3378del on transcript NM_001142800.2 (MANE Select); coding-DNA position 3378, one base deleted (T; older notation c.3378delT).
Protein change: p.Asn1127fs; shifts the reading frame from asparagine 1127.
Molecular consequence: frameshift variant.
Genome position (GRCh38, 1-based): chr6:64,813,443, A deleted on the plus strand (T on the coding strand, the reverse complement: EYS is on the minus strand); the first of 2 consecutive A bases (chr6:64,813,443-64,813,444); deleting either gives the same sequence. VCF-style (leftmost placement, unchanged base first): chr6-64813442-TA-T. GRCh37 (hg19) VCF-style: chr6-65523335-TA-T.
Other names: c.3378del, p.Asn1127fs (NM_001292009.2); short protein forms N1127fs.
Identifiers: ClinVar variation 2003273 (VCV002003273.4), dbSNP rs2533144973, ClinGen allele CA2580075655.

ClinVar aggregate classification (germline): Pathogenic (1 of 4 stars; one submission).

Submission:

Labcorp Genetics (formerly Invitae), Labcorp
Classification: Pathogenic. Last evaluated: 2024-09-16. Review status: criteria provided, single submitter. Criteria: Invitae Variant Classification Sherloc (09022015). Collection method: clinical testing. Allele origin: germline.
Comment: This sequence change creates a premature translational stop signal (p.Asn1127Ilefs*36) in the EYS gene. It is expected to result in an absent or disrupted protein product. Loss-of-function variants in EYS are known to be pathogenic (PMID: 18836446, 20333770). This variant is not present in population databases (gnomAD no frequency). This variant has not been reported in the literature in individuals affected with EYS-related conditions. ClinVar contains an entry for this variant (Variation ID: 2003273). For these reasons, this variant has been classified as Pathogenic.

Literature cited by the submitters: PubMed 18836446; PubMed 20333770.